The following is an entry in ClinVar:

NM_023935.3(DDRGK1):c.444C>T (p.Leu148=)

Gene: DDRGK1 (DDRGK domain containing 1; minus strand). Cytogenetic location: 20p13.
Variant type: single nucleotide variant.
Coding change: c.444C>T on transcript NM_023935.3 (MANE Select); coding-DNA position 444, C replaced by T.
Protein change: p.Leu148=; no amino-acid change (leucine 148 retained).
Molecular consequence: synonymous variant.
Genome position (GRCh38, 1-based): chr20:3,200,067, G>A on the plus strand (C>T on the coding strand, the complement: DDRGK1 is on the minus strand). VCF-style: chr20-3200067-G-A. GRCh37 (hg19) VCF-style: chr20-3180713-G-A.
Identifiers: ClinVar variation 1601082 (VCV001601082.17), dbSNP rs41281848, ClinGen allele CA9740932.

ClinVar aggregate classification (germline): Benign/Likely benign. Review status: criteria provided, multiple submitters, no conflicts (2 of 4 stars). 3 submissions from 3 submitters: Benign (1); Likely benign (2). Last evaluated 2026-01-12.

Allele frequency attached by ClinVar (database versions not stated): 1000 Genomes Project 30x 0.00047; ESP Exome Variant Server 0.00054.
gnomAD v4.1: 2,378 of 1,613,882 alleles (0.15%); highest among the groups gnomAD compares: Non-Finnish European, 0.14%; 2 homozygotes.

Submissions (3):

Labcorp Genetics (formerly Invitae), Labcorp
Classification: Benign. Last evaluated: 2026-01-12. Review status: criteria provided, single submitter. Criteria: Invitae Variant Classification Sherloc (09022015). Collection method: clinical testing. Allele origin: germline.

CeGaT Center for Human Genetics Tuebingen
Classification: Likely benign. Last evaluated: 2025-06-01. Review status: criteria provided, single submitter. Criteria: CeGaT Center For Human Genetics Tuebingen Variant Classification Criteria Version 2. Collection method: clinical testing. Allele origin: germline. Affected: yes. Observed: 1 variant allele.
Comment: DDRGK1: BP4, BP7

Blueprint Genetics
Classification: Likely benign. Last evaluated: 2024-10-24. Review status: criteria provided, single submitter. Criteria: ACMG Guidelines, 2015. Collection method: clinical testing. Allele origin: germline.